The following is an entry in ClinVar:

NM_001370259.2(MEN1):c.1819C>A (p.Arg607Ser)

Gene: MEN1 (menin 1; minus strand). Cytogenetic location: 11q13.1.
Variant type: single nucleotide variant.
Coding change: c.1819C>A on transcript NM_001370259.2 (MANE Select); coding-DNA position 1819, C replaced by A.
Protein change: p.Arg607Ser; replaces arginine 607 with serine.
Molecular consequence: missense variant. On other transcripts: non-coding transcript variant (4).
Genome position (GRCh38, 1-based): chr11:64,804,348, G>T on the plus strand (C>A on the coding strand, the complement: MEN1 is on the minus strand). VCF-style: chr11-64804348-G-T. GRCh37 (hg19) VCF-style: chr11-64571820-G-T.
Other names: c.1840C>A, p.Arg614Ser (NM_001407151.1); c.1654C>A, p.Arg552Ser (NM_001407152.1); c.1819C>A, p.Arg607Ser (NM_130799.3, NM_001370260.2, NM_001370261.2 and 2 more transcripts); c.1834C>A, p.Arg612Ser (NM_130800.3, NM_130801.3, NM_130802.3 and 4 more transcripts); c.1714C>A, p.Arg572Ser (NM_001407148.1, NM_001407149.1, NM_001370262.2 and 1 more transcripts); c.1960C>A, p.Arg654Ser (NM_001407150.1); c.1945C>A, p.Arg649Ser (NM_001370251.2, NM_001407142.1, NM_001407143.1 and 1 more transcripts); short protein forms R552S, R572S, R607S, R612S, R614S, R649S, R654S.
Identifiers: ClinVar variation 2755858 (VCV002755858.3), dbSNP rs770686655, ClinGen allele CA381177058.

ClinVar aggregate classification (germline): Uncertain significance (1 of 4 stars; one submission).

Conditions:
Multiple endocrine neoplasia, type 1 (MEN1). Also called: MEA I; MEN I; WERMER SYNDROME; Endocrine adenomatosis multiple; MEN 1. Identifiers: Orphanet 652, MedGen C0025267, MeSH D018761, MONDO:0007540, OMIM 131100.

Submission:

Labcorp Genetics (formerly Invitae), Labcorp
Classification: Uncertain significance for Multiple endocrine neoplasia, type 1. Last evaluated: 2023-08-28. Review status: criteria provided, single submitter. Criteria: Invitae Variant Classification Sherloc (09022015). Collection method: clinical testing. Allele origin: germline.
Comment: This variant is not present in population databases (gnomAD no frequency). In summary, the available evidence is currently insufficient to determine the role of this variant in disease. Therefore, it has been classified as a Variant of Uncertain Significance. Advanced modeling of protein sequence and biophysical properties (such as structural, functional, and spatial information, amino acid conservation, physicochemical variation, residue mobility, and thermodynamic stability) performed at Invitae indicates that this missense variant is expected to disrupt MEN1 protein function. This variant has not been reported in the literature in individuals affected with MEN1-related conditions. This sequence change replaces arginine, which is basic and polar, with serine, which is neutral and polar, at codon 607 of the MEN1 protein (p.Arg607Ser).